The following is an entry in ClinVar:

NM_022841.7(RFX7):c.279-6T>C

Gene: RFX7 (regulatory factor X7; minus strand). Cytogenetic location: 15q21.3.
Variant type: single nucleotide variant.
Coding change: c.279-6T>C on transcript NM_022841.7 (MANE Select); 6 bases into the intron before coding-DNA position 279, T replaced by C.
Molecular consequence: intron variant.
Genome position (GRCh38, 1-based): chr15:56,142,906, A>G on the plus strand (T>C on the coding strand, the complement: RFX7 is on the minus strand). VCF-style: chr15-56142906-A-G. GRCh37 (hg19) VCF-style: chr15-56435104-A-G.
Other names: c.279-6T>C (NM_001370561.1); c.-13-6T>C (NM_001368073.2, NM_001370554.1, NM_001368074.1).
Identifiers: ClinVar variation 4076376 (VCV004076376.1).
Genomic context (GRCh38, chr15:56,142,906, plus strand): 5'-CCAGGAAAAGGCATGCATTTGTTGTGCCCGACTAGATGACATGGCATTCTGATCACTAAT[A>G]GAATGAAAACATGTTTTAGCTGACCAGACAGCAATTCATTAACGATTTTTGAGCTAGGCC-3'

ClinVar aggregate classification (germline): Uncertain significance (1 of 4 stars; one submission).

Conditions:
Intellectual developmental disorder, autosomal dominant 71, with behavioral abnormalities (MRD71). Identifiers: MedGen C5830437, MONDO:0957228, OMIM 620330.

gnomAD v4.1: 1 of 1,612,852 alleles (0.000062%); no homozygotes.

Submission:

Laboratorio de Genetica e Diagnostico Molecular, Hospital Israelita Albert Einstein
Classification: Uncertain significance for Intellectual developmental disorder, autosomal dominant 71, with behavioral abnormalities. Last evaluated: 2024-02-25. Review status: criteria provided, single submitter. Criteria: ACMG Guidelines, 2015. Collection method: clinical testing. Allele origin: germline. Affected: yes.
Comment: ACMG classification criteria: PM2 supporting, BP4 supporting